The following is an entry in ClinVar:

ClinVar aggregate classification (germline): Uncertain significance. Review status: criteria provided, multiple submitters, no conflicts (2 of 4 stars). 3 submissions from 3 submitters: Uncertain significance (2). 1 of the submissions does not count toward it. Last evaluated 2025-10-13.

Conditions:
PPP1R15B-related disorder. Also called: PPP1R15B-related condition.
Microcephaly, short stature, and impaired glucose metabolism 2 (MSSGM2). Identifiers: Orphanet 391408, MedGen C4225195, MONDO:0014785, OMIM 616817.

Allele frequency attached by ClinVar (database versions not stated): ExAC 0.00003; gnomAD 0.00005; gnomAD exomes 0.00005; TOPMed 0.00006.
gnomAD v4.1: 84 of 1,612,762 alleles (0.0052%); highest among the groups gnomAD compares: Middle Eastern, 0.019%; no homozygotes.

Submissions (3):

Labcorp Genetics (formerly Invitae), Labcorp
Classification: Uncertain significance. Last evaluated: 2025-10-13. Review status: criteria provided, single submitter. Criteria: Invitae Variant Classification Sherloc (09022015). Collection method: clinical testing. Allele origin: germline.
Comment: This sequence change replaces arginine, which is basic and polar, with glycine, which is neutral and non-polar, at codon 9 of the PPP1R15B protein (p.Arg9Gly). This variant is present in population databases (rs759915160, gnomAD 0.007%). This variant has not been reported in the literature in individuals affected with PPP1R15B-related conditions. ClinVar contains an entry for this variant (Variation ID: 587627). An algorithm developed to predict the effect of missense changes on protein structure and function (PolyPhen-2) suggests that this variant is likely to be disruptive. In summary, the available evidence is currently insufficient to determine the role of this variant in disease. Therefore, it has been classified as a Variant of Uncertain Significance.

Genomic Research Center, Shahid Beheshti University of Medical Sciences
Classification: Uncertain significance for Microcephaly, short stature, and impaired glucose metabolism 2. Last evaluated: 2018-08-07. Review status: criteria provided, single submitter. Criteria: ACMG Guidelines, 2015. Collection method: clinical testing. Allele origin: inherited. Affected: no. Observed: 1 variant allele.

PreventionGenetics, part of Exact Sciences
Classification: Uncertain significance for PPP1R15B-related condition. Last evaluated: 2023-10-18. Review status: no assertion criteria provided. Collection method: clinical testing. Allele origin: germline. Not counted in ClinVar's aggregate classification.
Comment: The PPP1R15B c.25C>G variant is predicted to result in the amino acid substitution p.Arg9Gly. To our knowledge, this variant has not been reported in the literature. This variant is reported in 0.0071% of alleles in individuals of European (Non-Finnish) descent in gnomAD. At this time, the clinical significance of this variant is uncertain due to the absence of conclusive functional and genetic evidence.

NM_032833.5(PPP1R15B):c.25C>G (p.Arg9Gly)

Gene: PPP1R15B (protein phosphatase 1 regulatory subunit 15B; minus strand). Cytogenetic location: 1q32.1.
Variant type: single nucleotide variant.
Coding change: c.25C>G on transcript NM_032833.5 (MANE Select); coding-DNA position 25, C replaced by G.
Protein change: p.Arg9Gly; replaces arginine 9 with glycine.
Molecular consequence: missense variant.
Genome position (GRCh38, 1-based): chr1:204,411,387, G>C on the plus strand (C>G on the coding strand, the complement: PPP1R15B is on the minus strand). VCF-style: chr1-204411387-G-C. GRCh37 (hg19) VCF-style: chr1-204380515-G-C.
Other names: short protein forms R9G.
Identifiers: ClinVar variation 587627 (VCV000587627.10), dbSNP rs759915160, ClinGen allele CA1346921.